The following is an entry in ClinVar:

ClinVar aggregate classification (germline): Likely benign (1 of 4 stars; one submission).

Conditions:
Heterotaxy, visceral, 4, autosomal (HTX4). Identifiers: Orphanet 450, MedGen C3151057, MONDO:0013403, OMIM 613751.

Allele frequency attached by ClinVar (database versions not stated): 1000 Genomes Project 0.00200; gnomAD 0.00214 and 0.00227; 1000 Genomes Project 30x 0.00234; TOPMed 0.00238.

Submission:

Illumina Laboratory Services, Illumina
Classification: Likely benign for Heterotaxy, visceral, 4, autosomal. Last evaluated: 2018-01-13. Review status: criteria provided, single submitter. Criteria: ICSL Variant Classification Criteria 13 December 2019. Collection method: clinical testing. Allele origin: germline.
Comment: This variant was observed in the ICSL laboratory as part of a predisposition screen in an ostensibly healthy population. It had not been previously curated by ICSL or reported in the Human Gene Mutation Database (HGMD: prior to June 1st, 2018), and was therefore a candidate for classification through an automated scoring system. Utilizing variant allele frequency, disease prevalence and penetrance estimates, and inheritance mode, an automated score was calculated to assess if this variant is too frequent to cause the disease. Based on the score and internal cut-off values, a variant classified as likely benign is not then subjected to further curation. The score for this variant resulted in a classification of likely benign for this disease.

NM_001106.4(ACVR2B):c.*1815G>A

Gene: ACVR2B (activin A receptor type 2B; plus strand). Cytogenetic location: 3p22.2.
Variant type: single nucleotide variant.
Coding change: c.*1815G>A on transcript NM_001106.4 (MANE Select); 1815 bases downstream of the stop codon, G replaced by A.
Molecular consequence: 3 prime UTR variant.
Genome position (GRCh38, 1-based): chr3:38,485,147, G>A. VCF-style: chr3-38485147-G-A. GRCh37 (hg19) VCF-style: chr3-38526638-G-A.
Identifiers: ClinVar variation 902900 (VCV000902900.4), dbSNP rs188157499, ClinGen allele CA72927771.
Genomic context (GRCh38, chr3:38,485,147, plus strand): 5'-TGCATCTCTTCATCGTGAGGGTAGGCAAGGCGGGGGCCGTGGGGAGAGGTTGACCTGGGT[G>A]AGAACTGAAGAGGCCGCCTCCTCTTGGGTTGTTTGGAGCTTCACATGTAATTCACATGTA-3'